The following is an entry in ClinVar:

ClinVar aggregate classification (germline): Uncertain significance (1 of 4 stars; one submission).

Submission:

GeneDx
Classification: Uncertain significance. Last evaluated: 2022-06-07. Review status: criteria provided, single submitter. Criteria: GeneDx Variant Classification Process June 2021. Collection method: clinical testing. Allele origin: germline. Affected: yes.
Comment: Not observed at significant frequency in large population cohorts (gnomAD); In silico analysis supports that this missense variant has a deleterious effect on protein structure/function; Has not been previously published as pathogenic or benign to our knowledge

NM_000240.4(MAOA):c.1315A>G (p.Thr439Ala)

Gene: MAOA (monoamine oxidase A; plus strand). Cytogenetic location: Xp11.3.
Variant type: single nucleotide variant.
Coding change: c.1315A>G on transcript NM_000240.4 (MANE Select); coding-DNA position 1315, A replaced by G.
Protein change: p.Thr439Ala; replaces threonine 439 with alanine.
Molecular consequence: missense variant.
Genome position (GRCh38, 1-based): chrX:43,743,846, A>G. VCF-style: chrX-43743846-A-G. GRCh37 (hg19) VCF-style: chrX-43603093-A-G.
Other names: c.916A>G, p.Thr306Ala (NM_001270458.2); short protein forms T306A, T439A.
Identifiers: ClinVar variation 1803335 (VCV001803335.1), dbSNP rs999599093, ClinGen allele CA329466923.
Genomic context (GRCh38, chrX:43,743,846, plus strand): 5'-CCTTGAAGGGTGATTCGTCAACCCGTGGGCAGGATTTTCTTTGCGGGCACAGAGACTGCC[A>G]CAAAGTGGAGCGGCTACATGGAAGGGGCAGTTGAGGCTGGAGAACGAGCAGCTAGGGAGG-3'
Protein context (NP_000231.1, residues 429-449): RIFFAGTETA[Thr439Ala]KWSGYMEGAV